The following is an entry in ClinVar:

NM_000038.6(APC):c.1956C>G (p.His652Gln)

Gene: APC (APC regulator of Wnt signaling pathway; plus strand). Cytogenetic location: 5q22.2.
Variant type: single nucleotide variant.
Coding change: c.1956C>G on transcript NM_000038.6 (MANE Select); coding-DNA position 1956, C replaced by G.
Protein change: p.His652Gln; replaces histidine 652 with glutamine.
Molecular consequence: missense variant.
Genome position (GRCh38, 1-based): chr5:112,835,163, C>G. VCF-style: chr5-112835163-C-G. GRCh37 (hg19) VCF-style: chr5-112170860-C-G.
Other names: c.1956C>G, p.His652Gln (NM_001127510.3, NM_001354895.2); c.1902C>G, p.His634Gln (NM_001127511.3); c.2010C>G, p.His670Gln (NM_001354896.2); c.1986C>G, p.His662Gln (NM_001354897.2); c.1881C>G, p.His627Gln (NM_001354898.2); c.1872C>G, p.His624Gln (NM_001354899.2); c.1833C>G, p.His611Gln (NM_001354900.2); c.1779C>G, p.His593Gln (NM_001354901.2); and 5 more; short protein forms H526Q, H670Q, H593Q, H611Q, H624Q, H634Q, H551Q, H561Q.
Identifiers: ClinVar variation 939904 (VCV000939904.15), dbSNP rs1064793716, ClinGen allele CA16025593.
Genomic context (GRCh38, chr5:112,835,163, plus strand): 5'-TGAAAGTGGAGGTGGGATATTACGGAATGTGTCCAGCTTGATAGCTACAAATGAGGACCA[C>G]AGGTATATATAGAGTTTTATATTACTTTTAAAGTACAGAATTCATACTCTCAAAAAGACC-3'
Protein context (NP_000029.2, residues 642-662): VSSLIATNED[His652Gln]RQILRENNCL

ClinVar aggregate classification (germline): Uncertain significance. Review status: criteria provided, multiple submitters, no conflicts (2 of 4 stars). 4 submissions from 4 submitters: Uncertain significance (4). Last evaluated 2025-06-19.

Conditions:
Familial adenomatous polyposis 1 (FAP1). Also called: FAMILIAL ADENOMATOUS POLYPOSIS 1, ATTENUATED; POLYPOSIS, ADENOMATOUS INTESTINAL. Identifiers: MedGen C2713442, MONDO:0021056, OMIM 175100. Disease mechanism: loss of function.
Hereditary cancer-predisposing syndrome. Also called: Hereditary neoplastic syndrome; Neoplastic Syndromes, Hereditary; Tumor predisposition; Hereditary Cancer Syndrome. Identifiers: Orphanet 140162, MedGen C0027672, MeSH D009386, MONDO:0015356.

Allele frequency attached by ClinVar (database versions not stated): TOPMed below 0.00001.

Submissions (4):

ARUP Laboratories, Molecular Genetics and Genomics, ARUP Laboratories
Classification: Uncertain significance. Last evaluated: 2025-06-19. Review status: criteria provided, single submitter. Criteria: ARUP Molecular Germline Variant Investigation Process 2024. Collection method: clinical testing. Allele origin: germline.
Comment: The APC c.1956C>G; p.His652Gln variant (rs1064793716), to our knowledge, is not reported in the medical literature but is reported in ClinVar (Variation ID: 939904). This variant is absent from the Genome Aggregation Database (v2.1.1), indicating it is not a common polymorphism. Computational analyses are uncertain whether this variant is neutral or deleterious (REVEL: 0.456). The vast majority of pathogenic APC variants are truncating nonsense or frameshift variants (see InSiGHt, Kerr 2013). However, given the lack of clinical and functional data, the significance of this variant is uncertain at this time. References: Link to InSiGHt. Kerr SE et al. APC germline mutations in individuals being evaluated for familial adenomatous polyposis: a review of the Mayo Clinic experience with 1591 consecutive tests. J Mol Diagn. 2013 Jan;15(1):31-43. PMID: 23159591.

GeneDx
Classification: Uncertain significance. Last evaluated: 2025-05-22. Review status: criteria provided, single submitter. Criteria: GeneDx Variant Classification Process June 2021. Collection method: clinical testing. Allele origin: germline. Affected: yes.
Comment: Not observed at significant frequency in large population cohorts (gnomAD); In silico analysis supports that this missense variant has a deleterious effect on protein structure/function; Has not been previously published as pathogenic or benign to our knowledge; This variant is associated with the following publications: (PMID: 18199528)

Ambry Genetics
Classification: Uncertain significance for Hereditary cancer-predisposing syndrome. Last evaluated: 2024-01-25. Review status: criteria provided, single submitter. Criteria: Ambry Variant Classification Scheme 2023. Collection method: clinical testing. Allele origin: germline.
Comment: The p.H652Q variant (also known as c.1956C>G), located in coding exon 14 of the APC gene, results from a C to G substitution at nucleotide position 1956. The histidine at codon 652 is replaced by glutamine, an amino acid with highly similar properties. This amino acid position is highly conserved in available vertebrate species. In addition, in silico predictors for this gene do not accurately predict pathogenicity. Since supporting evidence is limited at this time, the clinical significance of this alteration remains unclear.

Labcorp Genetics (formerly Invitae), Labcorp
Classification: Uncertain significance for Familial adenomatous polyposis 1. Last evaluated: 2023-08-30. Review status: criteria provided, single submitter. Criteria: Invitae Variant Classification Sherloc (09022015). Collection method: clinical testing. Allele origin: germline.
Comment: This sequence change replaces histidine, which is basic and polar, with glutamine, which is neutral and polar, at codon 652 of the APC protein (p.His652Gln). This variant is not present in population databases (gnomAD no frequency). This variant has not been reported in the literature in individuals affected with APC-related conditions. ClinVar contains an entry for this variant (Variation ID: 939904). An algorithm developed to predict the effect of missense changes on protein structure and function (PolyPhen-2) suggests that this variant is likely to be tolerated. In summary, the available evidence is currently insufficient to determine the role of this variant in disease. Therefore, it has been classified as a Variant of Uncertain Significance.